The following is an entry in ClinVar:

ClinVar aggregate classification (germline): Conflicting classifications of pathogenicity. Review status: criteria provided, conflicting classifications (1 of 4 stars). 2 submissions from 2 submitters: Uncertain significance (1); Likely benign (1). Last evaluated 2023-03-23.

Conditions:
Hereditary cancer-predisposing syndrome. Also called: Neoplastic Syndromes, Hereditary; Tumor predisposition; Hereditary neoplastic syndrome; Hereditary Cancer Syndrome. Identifiers: Orphanet 140162, MedGen C0027672, MeSH D009386, MONDO:0015356.

Submissions (2):

University of Washington Department of Laboratory Medicine, University of Washington
Classification: Likely benign for Hereditary cancer-predisposing syndrome. Last evaluated: 2023-03-23. Review status: criteria provided, single submitter. Criteria: Dines et al. (Genet Med. 2020). Collection method: curation. Allele origin: germline.
Comment: Missense variant in a coldspot region where missense variants are very unlikely to be pathogenic (PMID:31911673).

BRCA1 coldspot (exon 11 using historical exon numbering). Reclassification based on statistical prior probability

Color Diagnostics, LLC DBA Color Health
Classification: Uncertain significance for Hereditary cancer-predisposing syndrome. Last evaluated: 2019-05-02. Review status: criteria provided, single submitter. Criteria: ACMG Guidelines, 2015. Collection method: clinical testing. Allele origin: germline.

NM_007294.4(BRCA1):c.3128A>C (p.Asn1043Thr)

Gene: BRCA1 (BRCA1 DNA repair associated; minus strand). Cytogenetic location: 17q21.31.
Variant type: single nucleotide variant.
Coding change: c.3128A>C on transcript NM_007294.4 (MANE Select); coding-DNA position 3128, A replaced by C.
Protein change: p.Asn1043Thr; replaces asparagine 1043 with threonine.
Molecular consequence: missense variant. On other transcripts: intron variant (137).
Genome position (GRCh38, 1-based): chr17:43,092,403, T>G on the plus strand (A>C on the coding strand, the complement: BRCA1 is on the minus strand). VCF-style: chr17-43092403-T-G. GRCh37 (hg19) VCF-style: chr17-41244420-T-G.
Other names: c.2915A>C, p.Asn972Thr (NM_001407571.1, NM_001407853.1, NM_001407894.1 and 9 more transcripts); c.3128A>C, p.Asn1043Thr (NM_001407581.1, NM_001407582.1, NM_001407583.1 and 30 more transcripts); c.3125A>C, p.Asn1042Thr (NM_001407587.1, NM_001407590.1, NM_001407591.1 and 22 more transcripts); c.3119A>C, p.Asn1040Thr (NM_001407646.1, NM_001407647.1); c.3005A>C, p.Asn1002Thr (NM_001407648.1, NM_001407664.1, NM_001407665.1 and 19 more transcripts); c.3002A>C, p.Asn1001Thr (NM_001407649.1, NM_001407670.1, NM_001407671.1 and 11 more transcripts); c.3050A>C, p.Asn1017Thr (NM_001407653.1, NM_001407654.1, NM_001407655.1 and 4 more transcripts); c.3047A>C, p.Asn1016Thr (NM_001407659.1, NM_001407660.1, NM_001407661.1 and 1 more transcripts); and 41 more; short protein forms N1043T, N996T, N916T, N931T, N954T, N975T, N1016T, N1042T.
Identifiers: ClinVar variation 628251 (VCV000628251.6), dbSNP rs1228972723, ClinGen allele CA10595730.
Genomic context (GRCh38, chr17:43,092,403, plus strand): 5'-GAACCTATTTCATTAATACTGGAGCCCACTTCATTAGTACTGGAACCTACTTCATTAATA[T>G]TGCTTGAGCTGGCTTCTTTAAAAACATTTTCTCTAATGTTATTACGGCTAATTGTGCTCA-3'
Protein context (NP_009225.1, residues 1033-1053): ENVFKEASSS[Asn1043Thr]INEVGSSTNE